The following is an entry in ClinVar:

ClinVar aggregate classification (germline): Conflicting classifications of pathogenicity. Review status: criteria provided, conflicting classifications (1 of 4 stars). 4 submissions from 4 submitters: Uncertain significance (3); Likely benign (1). Last evaluated 2025-08-10.

Conditions:
Hereditary cancer-predisposing syndrome. Also called: Hereditary Cancer Syndrome; Neoplastic Syndromes, Hereditary; Tumor predisposition; Hereditary neoplastic syndrome. Identifiers: Orphanet 140162, MedGen C0027672, MeSH D009386, MONDO:0015356.
Hereditary diffuse gastric adenocarcinoma (HDGC). Also called: DIFFUSE GASTRIC AND LOBULAR BREAST CANCER SYNDROME. Identifiers: Orphanet 26106, MedGen C1708349, MONDO:0007648, OMIM 137215.

Submissions (4):

Labcorp Genetics (formerly Invitae), Labcorp
Classification: Uncertain significance for Hereditary diffuse gastric adenocarcinoma. Last evaluated: 2025-08-10. Review status: criteria provided, single submitter. Criteria: Invitae Variant Classification Sherloc (09022015). Collection method: clinical testing. Allele origin: germline.
Comment: This sequence change replaces alanine, which is neutral and non-polar, with proline, which is neutral and non-polar, at codon 137 of the CDH1 protein (p.Ala137Pro). This variant is not present in population databases (gnomAD no frequency). This variant has not been reported in the literature in individuals affected with CDH1-related conditions. ClinVar contains an entry for this variant (Variation ID: 230828). An algorithm developed to predict the effect of missense changes on protein structure and function outputs the following: PolyPhen-2: "Benign". The proline amino acid residue is found in multiple mammalian species, which suggests that this missense change does not adversely affect protein function. In summary, the available evidence is currently insufficient to determine the role of this variant in disease. Therefore, it has been classified as a Variant of Uncertain Significance.

Ambry Genetics
Classification: Likely benign for Hereditary cancer-predisposing syndrome. Last evaluated: 2025-05-27. Review status: criteria provided, single submitter. Criteria: Ambry Variant Classification Scheme 2023. Collection method: clinical testing. Allele origin: germline.

Institute for Biomarker Research, Medical Diagnostic Laboratories, L.L.C.
Classification: Uncertain significance for Hereditary cancer-predisposing syndrome. Last evaluated: 2025-04-10. Review status: criteria provided, single submitter. Criteria: ACMG Guidelines, 2015. Collection method: clinical testing. Allele origin: germline.
Comment: The missense variant NM_004360.5(CDH1):c.409G>C (p.Ala137Pro) has not been reported previously as a pathogenic variant nor as a benign variant, to our knowledge. The p.Ala137Pro variant is novel (not in any individuals) in gnomAD. The p.Ala137Pro variant is not predicted to introduce a novel splice site by any splice site algorithm.The proline residue at codon 137 of CDH1 is present in Lesser Egyptian jerboa and 7 other mammalian species. The nucleotide c.409 in CDH1 is not conserved according to a GERP++ and PhyloP analysis of 100 vertebrates. For these reasons, this variant has been classified as Uncertain Significance

Color Diagnostics, LLC DBA Color Health
Classification: Uncertain significance for Hereditary cancer-predisposing syndrome. Last evaluated: 2023-12-05. Review status: criteria provided, single submitter. Criteria: ACMG Guidelines, 2015. Collection method: clinical testing. Allele origin: germline.
Comment: This missense variant replaces alanine with proline at codon 137 of the CDH1 protein. To our knowledge, functional studies have not been reported for this variant. This variant has not been reported in individuals affected with CDH1-related disorders in the literature. This variant has not been identified in the general population by the Genome Aggregation Database (gnomAD). The available evidence is insufficient to determine the role of this variant in disease conclusively. Therefore, this variant is classified as a Variant of Uncertain Significance.

NM_004360.5(CDH1):c.409G>C (p.Ala137Pro)

Gene: CDH1 (cadherin 1; plus strand). Cytogenetic location: 16q22.1.
Variant type: single nucleotide variant.
Coding change: c.409G>C on transcript NM_004360.5 (MANE Select); coding-DNA position 409, G replaced by C.
Protein change: p.Ala137Pro; replaces alanine 137 with proline.
Molecular consequence: missense variant. On other transcripts: 5 prime UTR variant (2).
Genome position (GRCh38, 1-based): chr16:68,808,445, G>C. VCF-style: chr16-68808445-G-C. GRCh37 (hg19) VCF-style: chr16-68842348-G-C.
Other names: c.409G>C (LRG_301t1); c.409G>C, p.Ala137Pro (NM_001317184.2); c.-1207G>C (NM_001317185.2); c.-1411G>C (NM_001317186.2); short protein forms A137P.
Identifiers: ClinVar variation 230828 (VCV000230828.20), dbSNP rs876658797, ClinGen allele CA10580083.